The following is an entry in ClinVar:

NM_000059.4(BRCA2):c.7660A>G (p.Ser2554Gly)

Gene: BRCA2 (BRCA2 DNA repair associated; plus strand). Cytogenetic location: 13q13.1.
Variant type: single nucleotide variant.
Coding change: c.7660A>G on transcript NM_000059.4 (MANE Select); coding-DNA position 7660, A replaced by G.
Protein change: p.Ser2554Gly; replaces serine 2554 with glycine.
Molecular consequence: missense variant.
Genome position (GRCh38, 1-based): chr13:32,357,784, A>G. VCF-style: chr13-32357784-A-G. GRCh37 (hg19) VCF-style: chr13-32931921-A-G.
Other names: 7888A>G; short protein forms S2554G.
Identifiers: ClinVar variation 252847 (VCV000252847.17), dbSNP rs879255464, ClinGen allele CA10586079.

ClinVar aggregate classification (germline): Conflicting classifications of pathogenicity. Review status: criteria provided, conflicting classifications (1 of 4 stars). 6 submissions from 6 submitters: Uncertain significance (4); Likely benign (1). 1 of the submissions does not count toward it. Last evaluated 2025-05-05.

Conditions:
Hereditary cancer-predisposing syndrome. Also called: Tumor predisposition; Hereditary Cancer Syndrome; Neoplastic Syndromes, Hereditary; Hereditary neoplastic syndrome. Identifiers: Orphanet 140162, MedGen C0027672, MeSH D009386, MONDO:0015356.
Hereditary breast ovarian cancer syndrome. Also called: Hereditary breast and ovarian cancer; Breast and ovarian cancer; Hereditary breast and/or ovarian cancer syndrome; BRCA1- and BRCA2-Associated Hereditary Breast and Ovarian Cancer; Hereditary breast and ovarian cancer syndrome; Hereditary breast and ovarian cancer syndrome (HBOC). Identifiers: Orphanet 145, MedGen C0677776, MeSH D061325, MONDO:0003582. Disease mechanism: loss of function.
Breast-ovarian cancer, familial, susceptibility to, 2 (BROVCA2). Also called: BRCA2 Hereditary Breast and Ovarian Cancer. Identifiers: Orphanet 145, MedGen C2675520, MONDO:0012933, OMIM 612555. Disease mechanism: loss of function.

Allele frequency attached by ClinVar (database versions not stated): gnomAD exomes below 0.00001.
gnomAD v4.1: 1 of 1,613,876 alleles (0.000062%); highest among the groups gnomAD compares: Non-Finnish European, 0.000085%; no homozygotes.

Submissions (6):

Ambry Genetics
Classification: Likely benign for Hereditary cancer-predisposing syndrome. Last evaluated: 2025-05-05. Review status: criteria provided, single submitter. Criteria: Ambry Variant Classification Scheme 2023. Collection method: clinical testing. Allele origin: germline.

Women's Health and Genetics/Laboratory Corporation of America, LabCorp
Classification: Uncertain significance. Last evaluated: 2024-10-03. Review status: criteria provided, single submitter. Criteria: LabCorp Variant Classification Summary - May 2015. Collection method: clinical testing. Allele origin: germline.

Labcorp Genetics (formerly Invitae), Labcorp
Classification: Uncertain significance for Hereditary breast ovarian cancer syndrome. Last evaluated: 2024-06-18. Review status: criteria provided, single submitter. Criteria: Invitae Variant Classification Sherloc (09022015). Collection method: clinical testing. Allele origin: germline.
Comment: This sequence change replaces serine, which is neutral and polar, with glycine, which is neutral and non-polar, at codon 2554 of the BRCA2 protein (p.Ser2554Gly). This variant is not present in population databases (gnomAD no frequency). This variant has not been reported in the literature in individuals affected with BRCA2-related conditions. ClinVar contains an entry for this variant (Variation ID: 252847). Advanced modeling of protein sequence and biophysical properties (such as structural, functional, and spatial information, amino acid conservation, physicochemical variation, residue mobility, and thermodynamic stability) performed at Invitae indicates that this missense variant is not expected to disrupt BRCA2 protein function with a negative predictive value of 95%. In summary, the available evidence is currently insufficient to determine the role of this variant in disease. Therefore, it has been classified as a Variant of Uncertain Significance.

All of Us Research Program, National Institutes of Health
Classification: Uncertain significance for Breast-ovarian cancer, familial, susceptibility to, 2. Last evaluated: 2023-12-18. Review status: criteria provided, single submitter. Criteria: ACMG Guidelines, 2015. Collection method: clinical testing. Allele origin: germline. Inheritance: Autosomal dominant inheritance. Observed: 3 variant alleles, 3 heterozygotes.
Comment: This missense variant replaces serine with glycine at codon 2554 of the BRCA2 protein. Computational prediction suggests that this variant may have deleterious impact on protein structure and function (internally defined REVEL score threshold >= 0.7, PMID: 27666373). To our knowledge, functional studies have not been reported for this variant. This variant has been reported in a multifactorial analysis with co-occurrence and family history likelihood ratios for pathogenicity of 1.0246 and 0.901, respectively (PMID: 31131967). This variant has not been identified in the general population by the Genome Aggregation Database (gnomAD). The available evidence is insufficient to determine the role of this variant in disease conclusively. Therefore, this variant is classified as a Variant of Uncertain Significance.

This study involves interpretation of variants in research participants for the purpose of population health screening. Participant phenotype was not available at the time of variant classification. Additional details can be found in publication PMID: 35346344, PMCID: PMC8962531

GeneDx
Classification: Uncertain significance. Last evaluated: 2023-02-06. Review status: criteria provided, single submitter. Criteria: GeneDx Variant Classification Process June 2021. Collection method: clinical testing. Allele origin: germline. Affected: yes.
Comment: Not observed at significant frequency in large population cohorts (gnomAD); In silico analysis supports that this missense variant does not alter protein structure/function; Has not been previously published as pathogenic or benign to our knowledge; Also known as 7888A>G; This variant is associated with the following publications: (PMID: 31131967, 12228710)

Sharing Clinical Reports Project (SCRP)
Classification: Uncertain significance for Breast-ovarian cancer, familial 2. Last evaluated: 2011-05-02. Review status: no assertion criteria provided. Collection method: clinical testing. Allele origin: germline. Not counted in ClinVar's aggregate classification.

Literature cited by the submitters: PubMed 31131967 (cited by All of Us Research Program, National Institutes of Health).